The following is an entry in ClinVar:

NM_012200.4(B3GAT3):c.7C>G (p.Leu3Val)

Gene: B3GAT3 (beta-1,3-glucuronyltransferase 3; minus strand). Cytogenetic location: 11q12.3.
Variant type: single nucleotide variant.
Coding change: c.7C>G on transcript NM_012200.4 (MANE Select); coding-DNA position 7, C replaced by G.
Protein change: p.Leu3Val; replaces leucine 3 with valine.
Molecular consequence: missense variant. On other transcripts: 5 prime UTR variant (1), non-coding transcript variant (1).
Genome position (GRCh38, 1-based): chr11:62,621,941, G>C on the plus strand (C>G on the coding strand, the complement: B3GAT3 is on the minus strand). VCF-style: chr11-62621941-G-C. GRCh37 (hg19) VCF-style: chr11-62389413-G-C.
Other names: c.-254C>G (NM_001288721.2); c.7C>G, p.Leu3Val (NM_001288722.2, NM_001288723.2); short protein forms L3V.
Identifiers: ClinVar variation 3600571 (VCV003600571.1).

ClinVar aggregate classification (germline): Uncertain significance (1 of 4 stars; one submission).

Submission:

GeneDx
Classification: Uncertain significance. Last evaluated: 2024-07-25. Review status: criteria provided, single submitter. Criteria: GeneDx Variant Classification Process June 2021. Collection method: clinical testing. Allele origin: germline. Affected: yes.
Comment: Not observed at significant frequency in large population cohorts (gnomAD); In silico analysis indicates that this missense variant does not alter protein structure/function; Has not been previously published as pathogenic or benign to our knowledge